The following is an entry in ClinVar:

NM_005359.6(SMAD4):c.1579A>G (p.Ile527Val)

Gene: SMAD4 (SMAD family member 4; plus strand). Cytogenetic location: 18q21.2.
Variant type: single nucleotide variant.
Coding change: c.1579A>G on transcript NM_005359.6 (MANE Select); coding-DNA position 1579, A replaced by G.
Protein change: p.Ile527Val; replaces isoleucine 527 with valine.
Molecular consequence: missense variant.
Genome position (GRCh38, 1-based): chr18:51,078,387, A>G. VCF-style: chr18-51078387-A-G. GRCh37 (hg19) VCF-style: chr18-48604757-A-G.
Other names: short protein forms I527V.
Identifiers: ClinVar variation 1363430 (VCV001363430.8), dbSNP rs2144479148, ClinGen allele CA402466078.
Genomic context (GRCh38, chr18:51,078,387, plus strand): 5'-AAAGGCTGGGGACCGGATTACCCAAGACAGAGCATCAAAGAAACACCTTGCTGGATTGAA[A>G]TTCACTTACACCGGGCCCTCCAGCTCCTAGACGAAGTACTTCATACCATGCCGATTGCAG-3'
Protein context (NP_005350.1, residues 517-537): SIKETPCWIE[Ile527Val]HLHRALQLLD

ClinVar aggregate classification (germline): Uncertain significance (1 of 4 stars; one submission).

Conditions:
Juvenile polyposis syndrome (JPS). Identifiers: Orphanet 2929, MedGen C0345893, MONDO:0017380, OMIM 174900.

Submission:

Labcorp Genetics (formerly Invitae), Labcorp
Classification: Uncertain significance for Juvenile polyposis syndrome. Last evaluated: 2021-04-25. Review status: criteria provided, single submitter. Criteria: Invitae Variant Classification Sherloc (09022015). Collection method: clinical testing. Allele origin: germline.
Comment: In summary, the available evidence is currently insufficient to determine the role of this variant in disease. Therefore, it has been classified as a Variant of Uncertain Significance. Algorithms developed to predict the effect of sequence changes on RNA splicing suggest that this variant may create or strengthen a splice site, but this prediction has not been confirmed by published transcriptional studies. Advanced modeling of protein sequence and biophysical properties (such as structural, functional, and spatial information, amino acid conservation, physicochemical variation, residue mobility, and thermodynamic stability) performed at Invitae indicates that this missense variant is not expected to disrupt SMAD4 protein function. This variant has not been reported in the literature in individuals with SMAD4-related conditions. This variant is not present in population databases (ExAC no frequency). This sequence change replaces isoleucine with valine at codon 527 of the SMAD4 protein (p.Ile527Val). The isoleucine residue is moderately conserved and there is a small physicochemical difference between isoleucine and valine.